The following is an entry in ClinVar:

ClinVar aggregate classification (germline): Uncertain significance (1 of 4 stars; one submission).

gnomAD v4.1: 3 of 1,614,144 alleles (0.00019%); highest among the groups gnomAD compares: Non-Finnish European, 0.00025%; no homozygotes.

Submission:

Labcorp Genetics (formerly Invitae), Labcorp
Classification: Uncertain significance. Last evaluated: 2025-01-15. Review status: criteria provided, single submitter. Criteria: Invitae Variant Classification Sherloc (09022015). Collection method: clinical testing. Allele origin: germline.
Comment: This sequence change replaces glycine, which is neutral and non-polar, with arginine, which is basic and polar, at codon 993 of the CNGB1 protein (p.Gly993Arg). This variant is not present in population databases (gnomAD no frequency). This variant has not been reported in the literature in individuals affected with CNGB1-related conditions. ClinVar contains an entry for this variant (Variation ID: 1020329). An algorithm developed to predict the effect of missense changes on protein structure and function (PolyPhen-2) suggests that this variant is likely to be disruptive. In summary, the available evidence is currently insufficient to determine the role of this variant in disease. Therefore, it has been classified as a Variant of Uncertain Significance.

NM_001297.5(CNGB1):c.2977G>A (p.Gly993Arg)

Gene: CNGB1 (cyclic nucleotide gated channel subunit beta 1; minus strand). Cytogenetic location: 16q21.
Variant type: single nucleotide variant.
Coding change: c.2977G>A on transcript NM_001297.5 (MANE Select); coding-DNA position 2977, G replaced by A.
Protein change: p.Gly993Arg; replaces glycine 993 with arginine.
Molecular consequence: missense variant.
Genome position (GRCh38, 1-based): chr16:57,897,914, C>T on the plus strand (G>A on the coding strand, the complement: CNGB1 is on the minus strand). VCF-style: chr16-57897914-C-T. GRCh37 (hg19) VCF-style: chr16-57931818-C-T.
Other names: c.2959G>A, p.Gly987Arg (NM_001286130.2); short protein forms G987R, G993R.
Identifiers: ClinVar variation 1020329 (VCV001020329.9), dbSNP rs1960280058, ClinGen allele CA396067781.
Genomic context (GRCh38, chr16:57,897,914, plus strand): 5'-GGCCGCCCAAGACCTGCACTTGCCCTGCCTGGATGATGTACATCTCACGGCCGATCTCCC[C>T]CTGAAACAAAGAAGTGACAAGTCCCTCTGTTCATCCCCCAAAGTCACCAGAGAAGCAGCC-3'
Protein context (NP_001288.3, residues 983-1003): YLPNDYVCKK[Gly993Arg]EIGREMYIIQ